The following is an entry in ClinVar:

NM_020435.4(GJC2):c.947C>A (p.Pro316Gln)

Gene: GJC2 (gap junction protein gamma 2; plus strand). Cytogenetic location: 1q42.13.
Variant type: single nucleotide variant.
Coding change: c.947C>A on transcript NM_020435.4 (MANE Select); coding-DNA position 947, C replaced by A.
Protein change: p.Pro316Gln; replaces proline 316 with glutamine.
Molecular consequence: missense variant.
Genome position (GRCh38, 1-based): chr1:228,158,705, C>A. VCF-style: chr1-228158705-C-A. GRCh37 (hg19) VCF-style: chr1-228346406-C-A.
Other names: short protein forms P316Q.
Identifiers: ClinVar variation 2075501 (VCV002075501.4), dbSNP rs760502262, ClinGen allele CA345100084.

ClinVar aggregate classification (germline): Uncertain significance (1 of 4 stars; one submission).

Conditions:
Spastic paraplegia. Identifiers: MedGen C0037772, HP:0001258.

Submission:

Labcorp Genetics (formerly Invitae), Labcorp
Classification: Uncertain significance for Spastic paraplegia. Last evaluated: 2023-04-27. Review status: criteria provided, single submitter. Criteria: Invitae Variant Classification Sherloc (09022015). Collection method: clinical testing. Allele origin: germline.
Comment: This sequence change replaces proline, which is neutral and non-polar, with glutamine, which is neutral and polar, at codon 316 of the GJC2 protein (p.Pro316Gln). The frequency data for this variant in the population databases is considered unreliable, as metrics indicate poor data quality at this position in the gnomAD database. This variant has not been reported in the literature in individuals affected with GJC2-related conditions. ClinVar contains an entry for this variant (Variation ID: 2075501). Algorithms developed to predict the effect of missense changes on protein structure and function output the following: SIFT: "Not Available"; PolyPhen-2: "Benign"; Align-GVGD: "Not Available". The glutamine amino acid residue is found in multiple mammalian species, which suggests that this missense change does not adversely affect protein function. In summary, the available evidence is currently insufficient to determine the role of this variant in disease. Therefore, it has been classified as a Variant of Uncertain Significance.